The following is an entry in ClinVar:

NC_000019.9:g.(?_11094828)_(11135124_?)dup

Gene: SMARCA4 (SWI/SNF related BAF chromatin remodeling complex subunit ATPase 4; plus strand). Cytogenetic location: 19p13.2.
Variant type: Duplication.
Identifiers: ClinVar variation 1014847 (VCV001014847.5).

ClinVar aggregate classification (germline): Uncertain significance (1 of 4 stars; one submission).

Conditions:
Rhabdoid tumor predisposition syndrome 2 (RTPS2). Identifiers: Orphanet 231108, Orphanet 69077, MedGen C2750074, MONDO:0013224, OMIM 613325.

Submission:

Labcorp Genetics (formerly Invitae), Labcorp
Classification: Uncertain significance for Rhabdoid tumor predisposition syndrome 2. Last evaluated: 2020-07-29. Review status: criteria provided, single submitter. Criteria: Invitae Variant Classification Sherloc (09022015). Collection method: clinical testing. Allele origin: germline.
Comment: In summary, the available evidence is currently insufficient to determine the role of this variant in disease. Therefore, it has been classified as a Variant of Uncertain Significance. Experimental studies and prediction algorithms are not available or were not evaluated, and the functional significance of this variant is currently unknown. This variant has not been reported in the literature in individuals with SMARCA4-related conditions. This variant results in a copy number gain of the genomic region encompassing exon(s) 2-21 of the SMARCA4 gene, which includes the initiator codon. The 5' end of this event is unknown as it extends beyond the assayed region for this gene and therefore may encompass additional genes. The 3' boundary is likely confined to intron 21 of the SMARCA4 gene. As the precise location of this event is unknown, it may be in tandem or it may be located elsewhere in the genome.